The following is an entry in ClinVar:

ClinVar aggregate classification (germline): Uncertain significance (1 of 4 stars; one submission).

Conditions:
Familial thoracic aortic aneurysm and aortic dissection (TAAD). Also called: Thoracic aortic aneurysms and dissections. Identifiers: Orphanet 91387, MedGen C4707243, MONDO:0019625.
Marfan syndrome (MFS). Also called: MARFAN SYNDROME, TYPE I; Marfan syndrome type 1; Marfan's syndrome; Marfan syndrome, classic; FBN1-Related Marfan Syndrome. Identifiers: Orphanet 284963, Orphanet 558, MedGen C0024796, MONDO:0007947, OMIM 154700.

Submission:

Labcorp Genetics (formerly Invitae), Labcorp
Classification: Uncertain significance for Marfan syndrome; Familial thoracic aortic aneurysm and aortic dissection. Last evaluated: 2022-04-12. Review status: criteria provided, single submitter. Criteria: Invitae Variant Classification Sherloc (09022015). Collection method: clinical testing. Allele origin: germline.
Comment: In summary, the available evidence is currently insufficient to determine the role of this variant in disease. Therefore, it has been classified as a Variant of Uncertain Significance. Advanced modeling of protein sequence and biophysical properties (such as structural, functional, and spatial information, amino acid conservation, physicochemical variation, residue mobility, and thermodynamic stability) performed at Invitae indicates that this missense variant is expected to disrupt FBN1 protein function. This missense change has been observed in individual(s) with clinical features of FBN1-related conditions (Invitae). This variant is not present in population databases (gnomAD no frequency). This sequence change replaces serine, which is neutral and polar, with arginine, which is basic and polar, at codon 1345 of the FBN1 protein (p.Ser1345Arg).

NM_000138.5(FBN1):c.4033A>C (p.Ser1345Arg)

Gene: FBN1 (fibrillin 1; minus strand). Cytogenetic location: 15q21.1.
Variant type: single nucleotide variant.
Coding change: c.4033A>C on transcript NM_000138.5 (MANE Select); coding-DNA position 4033, A replaced by C.
Protein change: p.Ser1345Arg; replaces serine 1345 with arginine.
Molecular consequence: missense variant.
Genome position (GRCh38, 1-based): chr15:48,474,582, T>G on the plus strand (A>C on the coding strand, the complement: FBN1 is on the minus strand). VCF-style: chr15-48474582-T-G. GRCh37 (hg19) VCF-style: chr15-48766779-T-G.
Other names: c.4033A>C, p.Ser1345Arg (NM_001406716.1); short protein forms S1345R.
Identifiers: ClinVar variation 2125129 (VCV002125129.4), dbSNP rs2505518689, ClinGen allele CA392320520.